The following is an entry in ClinVar:

NM_000350.3(ABCA4):c.1555-10CT[2]

Gene: ABCA4 (ATP binding cassette subfamily A member 4; minus strand). Cytogenetic location: 1p22.1.
Variant type: Microsatellite.
Coding change: c.1555-10CT[2] on transcript NM_000350.3 (MANE Select); two copies in a row of the 2-base unit CT starting at c.1555-10; the reference has three copies in a row; one copy, 2 bases deleted.
Molecular consequence: intron variant.
Genome position (GRCh38, 1-based): chr1:94,063,322-94,063,323, AG deleted on the plus strand (CT on the coding strand, the reverse complement: ABCA4 is on the minus strand); deleting any 2 consecutive bases within chr1:94,063,322-94,063,327 gives the same sequence; the position shown is the placement nearest the transcript's 3' end. VCF-style (leftmost placement, unchanged base first): chr1-94063321-CAG-C. GRCh37 (hg19) VCF-style: chr1-94528877-CAG-C.
Identifiers: ClinVar variation 810972 (VCV000810972.8), dbSNP rs1280974868, ClinGen allele CA524697597.
Genomic context (GRCh38, chr1:94,063,321, plus strand): 5'-ACGTTGGGTGAGCTGAGTTTCATCATTGTAGCTTTCAAACTTATCCAGGACCAAGCACTG[CAG>C]AGAGTCACAAAGTTGAGAGAGTGTGAGGAGGACCAACTGCAAAGACTCAACTCTACACAC-3'

ClinVar aggregate classification (germline): Uncertain significance (1 of 4 stars; one submission).

Submission:

ARUP Laboratories, Molecular Genetics and Genomics, ARUP Laboratories
Classification: Uncertain significance. Last evaluated: 2018-07-09. Review status: criteria provided, single submitter. Criteria: ARUP Molecular Germline Variant Investigation Process. Collection method: clinical testing. Allele origin: germline.
Comment: The ABCA4 c.1555-6_1555-5delCT variant has not been reported in the medical literature, gene-specific databases, or in the ClinVar database. The variant is not listed in the dbSNP variant database, but is listed in the Genome Aggregation Database with an allele frequency of 0.0004073 percent (1/245526 alleles). The nucleotides at this position are well conserved across species and computational algorithms (SpliceSiteFinder-like, MaxEntScan, NNSplice, GeneSplicer, Human Splicing Finder) predict a small change in splicing. Considering available information, the clinical significance cannot be determined with certainty.